The following is an entry in ClinVar:

ClinVar aggregate classification (germline): Uncertain significance. Review status: criteria provided, single submitter (1 of 4 stars). 2 submissions from 2 submitters: Uncertain significance (1). 1 of the submissions does not count toward it. Last evaluated 2024-06-17.

Conditions:
Renal coloboma syndrome (PAPRS). Also called: PAPILLORENAL SYNDROME; COLOBOMA OF OPTIC NERVE WITH RENAL DISEASE; OPTIC COLOBOMA, VESICOURETERAL REFLUX, AND RENAL ANOMALIES; OPTIC NERVE COLOBOMA WITH RENAL DISEASE; RENAL-COLOBOMA SYNDROME WITH MACULAR ABNORMALITIES; PAPILLORENAL SYNDROME WITH MILD OCULAR ABNORMALITIES. Identifiers: Orphanet 1475, MedGen C1852759, MONDO:0007352, OMIM 120330.
Focal segmental glomerulosclerosis 7 (FSGS7). Identifiers: Orphanet 656, MedGen C4014925, MONDO:0014451, OMIM 616002.
PAX2-Related Disorder. Also called: PAX2-related disorders. Identifiers: MedGen CN381309.

Allele frequency attached by ClinVar (database versions not stated): gnomAD exomes below 0.00001; TOPMed below 0.00001.
gnomAD v4.1: 1 of 1,612,484 alleles (0.000062%); highest among the groups gnomAD compares: Non-Finnish European, 0.000085%; no homozygotes.

Submissions (2):

Fulgent Genetics
Classification: Uncertain significance for Renal coloboma syndrome; Focal segmental glomerulosclerosis 7. Last evaluated: 2024-06-17. Review status: criteria provided, single submitter. Criteria: ACMG Guidelines, 2015. Collection method: clinical testing. Allele origin: germline.

PreventionGenetics, part of Exact Sciences
Classification: Likely benign for PAX2-related condition. Last evaluated: 2021-03-05. Review status: no assertion criteria provided. Collection method: clinical testing. Allele origin: germline. Not counted in ClinVar's aggregate classification.
Comment: This variant is classified as likely benign based on ACMG/AMP sequence variant interpretation guidelines (Richards et al. 2015 PMID: 25741868, with internal and published modifications).

NM_000278.5(PAX2):c.195C>G (p.Val65=)

Gene: PAX2 (paired box 2; plus strand). Cytogenetic location: 10q24.31.
Variant type: single nucleotide variant.
Coding change: c.195C>G on transcript NM_000278.5 (MANE Select); coding-DNA position 195, C replaced by G.
Protein change: p.Val65=; no amino-acid change (valine 65 retained).
Molecular consequence: synonymous variant.
Genome position (GRCh38, 1-based): chr10:100,749,897, C>G. VCF-style: chr10-100749897-C-G. GRCh37 (hg19) VCF-style: chr10-102509654-C-G.
Other names: c.288C>G, p.Val96= (NM_001304569.2); c.195C>G, p.Val65= (NM_003987.5, NM_003988.5, NM_003989.5 and 1 more transcripts).
Identifiers: ClinVar variation 3031569 (VCV003031569.3), dbSNP rs1845371308, ClinGen allele CA471216057.